The following is an entry in ClinVar:

ClinVar aggregate classification (germline): Uncertain significance (1 of 4 stars; one submission).

Conditions:
Curry-Hall syndrome (WAD). Also called: WEYERS ACRODENTAL DYSOSTOSIS. Identifiers: Orphanet 952, MedGen C0457013, MONDO:0008673, OMIM 193530.
Ellis-van Creveld syndrome (EVC). Also called: EVC-Related Ellis-van Creveld Syndrome; EVC2-Related Ellis-van Creveld Syndrome; MESOECTODERMAL DYSPLASIA; Chondroectodermal dysplasia. Identifiers: Orphanet 289, MedGen C0013903, MONDO:0009162, OMIM 225500.

gnomAD v4.1: 8 of 1,579,434 alleles (0.00051%); highest among the groups gnomAD compares: South Asian, 0.0023%; no homozygotes.

Submission:

Labcorp Genetics (formerly Invitae), Labcorp
Classification: Uncertain significance for Curry-Hall syndrome; Ellis-van Creveld syndrome. Last evaluated: 2024-07-14. Review status: criteria provided, single submitter. Criteria: Invitae Variant Classification Sherloc (09022015). Collection method: clinical testing. Allele origin: germline.
Comment: This sequence change replaces aspartic acid, which is acidic and polar, with asparagine, which is neutral and polar, at codon 1174 of the EVC2 protein (p.Asp1174Asn). The frequency data for this variant in the population databases is considered unreliable, as metrics indicate poor data quality at this position in the gnomAD database. This variant has not been reported in the literature in individuals affected with EVC2-related conditions. An algorithm developed to predict the effect of missense changes on protein structure and function outputs the following: PolyPhen-2: "Benign". The asparagine amino acid residue is found in multiple mammalian species, which suggests that this missense change does not adversely affect protein function. In summary, the available evidence is currently insufficient to determine the role of this variant in disease. Therefore, it has been classified as a Variant of Uncertain Significance.

NM_147127.5(EVC2):c.3520G>A (p.Asp1174Asn)

Gene: EVC2 (EvC ciliary complex subunit 2; minus strand). Cytogenetic location: 4p16.2.
Variant type: single nucleotide variant.
Coding change: c.3520G>A on transcript NM_147127.5 (MANE Select); coding-DNA position 3520, G replaced by A.
Protein change: p.Asp1174Asn; replaces aspartic acid 1174 with asparagine.
Molecular consequence: missense variant.
Genome position (GRCh38, 1-based): chr4:5,568,481, C>T on the plus strand (G>A on the coding strand, the complement: EVC2 is on the minus strand). VCF-style: chr4-5568481-C-T. GRCh37 (hg19) VCF-style: chr4-5570208-C-T.
Other names: c.3280G>A, p.Asp1094Asn (NM_001166136.2); short protein forms D1094N, D1174N.
Identifiers: ClinVar variation 3758693 (VCV003758693.2).